The following is an entry in ClinVar:

NM_000090.4(COL3A1):c.871G>A (p.Gly291Ser)

Gene: COL3A1 (collagen type III alpha 1 chain; plus strand). Cytogenetic location: 2q32.2.
Variant type: single nucleotide variant.
Coding change: c.871G>A on transcript NM_000090.4 (MANE Select); coding-DNA position 871, G replaced by A.
Protein change: p.Gly291Ser; replaces glycine 291 with serine.
Molecular consequence: missense variant.
Genome position (GRCh38, 1-based): chr2:188,991,505, G>A. VCF-style: chr2-188991505-G-A. GRCh37 (hg19) VCF-style: chr2-189856231-G-A.
Other names: short protein forms G291S.
Identifiers: ClinVar variation 4757428 (VCV004757428.1).

ClinVar aggregate classification (germline): Likely pathogenic (1 of 4 stars; one submission).

Conditions:
Familial thoracic aortic aneurysm and aortic dissection (TAAD). Also called: Thoracic aortic aneurysms and dissections. Identifiers: Orphanet 91387, MedGen C4707243, MONDO:0019625.

Submission:

Color Diagnostics, LLC DBA Color Health
Classification: Likely pathogenic for Familial thoracic aortic aneurysm and aortic dissection. Last evaluated: 2025-07-14. Review status: criteria provided, single submitter. Criteria: ACMG Guidelines, 2015. Collection method: clinical testing. Allele origin: germline.
Comment: This variant changes one of the conserved glycine residues within the Gly-Xaa-Yaa repeat motifs of the triple helical domain of the COL3A1 protein. Although functional studies have not been reported for this variant, conserved glycine residues within the Gly-Xaa-Yaa repeats are required for the structural stability of fibrillar collagens (PMID: 7695699, 8218237, 19344236) and missense variants occurring at these glycine residues have been associated with disease (PMID: 24922459, 25758994). Computational prediction suggests that this variant may have a deleterious impact on protein structure and function. To our knowledge, functional studies have not been reported for this variant. This variant has not been reported in individuals affected with COL3A1-related disorders in the literature. This variant has not been identified in the general population by the Genome Aggregation Database (gnomAD). Based on the available evidence, this variant is classified as Likely Pathogenic.

Literature cited by the submitters: PubMed 7695699; PubMed 8218237; PubMed 19344236; PubMed 24922459; PubMed 25758994.